The following is an entry in ClinVar:

ClinVar aggregate classification (germline): Benign. Review status: criteria provided, multiple submitters, no conflicts (2 of 4 stars). 3 submissions from 3 submitters: Benign (3). Last evaluated 2021-07-15.

Conditions:
Neuropathy, hereditary sensory and autonomic, type 1C. Also called: HSAN IC; HSN IC. Identifiers: Orphanet 36386, MedGen C3150896, MONDO:0013337, OMIM 613640.

Allele frequency attached by ClinVar (database versions not stated): 1000 Genomes Project 30x 0.94644; 1000 Genomes Project 0.94828; TOPMed 0.95548; ESP Exome Variant Server 0.95617; gnomAD 0.95724 and 0.96016; ExAC 0.98760; gnomAD exomes 0.98986 and 0.99599.
gnomAD v4.1: 1,598,357 of 1,610,526 alleles (99%); highest among the groups gnomAD compares: East Asian, 100%; 793,965 homozygotes.

Submissions (3):

Genome-Nilou Lab
Classification: Benign for Neuropathy, hereditary sensory and autonomic, type 1C. Last evaluated: 2021-07-15. Review status: criteria provided, single submitter. Criteria: ACMG Guidelines, 2015. Collection method: clinical testing. Allele origin: germline. Affected: no.

GeneDx
Classification: Benign. Last evaluated: 2018-06-14. Review status: criteria provided, single submitter. Criteria: GeneDx Variant Classification (06012015). Collection method: clinical testing. Allele origin: germline. Affected: yes.
Comment: This variant is considered likely benign or benign based on one or more of the following criteria: it is a conservative change, it occurs at a poorly conserved position in the protein, it is predicted to be benign by multiple in silico algorithms, and/or has population frequency not consistent with disease.

Breakthrough Genomics
Classification: Benign. Review status: criteria provided, single submitter. Criteria: ACMG Guidelines, 2015. Collection method: not provided. Allele origin: germline. Inheritance: Autosomal dominant inheritance. Affected: yes.

NM_004863.4(SPTLC2):c.1177-49G>A

Gene: SPTLC2 (serine palmitoyltransferase long chain base subunit 2; minus strand). Cytogenetic location: 14q24.3.
Variant type: single nucleotide variant.
Coding change: c.1177-49G>A on transcript NM_004863.4 (MANE Select); 49 bases into the intron before coding-DNA position 1177, G replaced by A.
Molecular consequence: intron variant.
Genome position (GRCh38, 1-based): chr14:77,552,271, C>T on the plus strand (G>A on the coding strand, the complement: SPTLC2 is on the minus strand). VCF-style: chr14-77552271-C-T. GRCh37 (hg19) VCF-style: chr14-78018614-C-T.
Identifiers: ClinVar variation 670570 (VCV000670570.4), dbSNP rs2178876, ClinGen allele CA7289248.
Genomic context (GRCh38, chr14:77,552,271, plus strand): 5'-GTCTATCAGCTCCTGGGGAGTTCACAGAGGCAGATAAGTAGAGACAATTCTTGCATTCAC[C>T]GGCAATGTCAGTCCTTTCCTTCTAAGTTCTAGAGGACTCCTCACTTCAATGGCACTGGAA-3'